The following is an entry in ClinVar:

ClinVar aggregate classification (germline): Uncertain significance. Review status: criteria provided, multiple submitters, no conflicts (2 of 4 stars). 2 submissions from 2 submitters: Uncertain significance (2). Last evaluated 2022-07-20.

Conditions:
Usher syndrome type 3B. Also called: USHER SYNDROME, TYPE IIIB. Identifiers: MedGen C3281066, MONDO:0013788, OMIM 614504.

Submissions (2):

Blueprint Genetics
Classification: Uncertain significance. Last evaluated: 2022-07-20. Review status: criteria provided, single submitter. Criteria: ACMG Guidelines, 2015. Collection method: clinical testing. Allele origin: germline.

Labcorp Genetics (formerly Invitae), Labcorp
Classification: Uncertain significance for Usher syndrome type 3B. Last evaluated: 2022-03-10. Review status: criteria provided, single submitter. Criteria: Invitae Variant Classification Sherloc (09022015). Collection method: clinical testing. Allele origin: germline.
Comment: This variant has not been reported in the literature in individuals affected with HARS-related conditions. This variant is not present in population databases (gnomAD no frequency). This sequence change replaces arginine, which is basic and polar, with glycine, which is neutral and non-polar, at codon 396 of the HARS protein (p.Arg396Gly). In summary, the available evidence is currently insufficient to determine the role of this variant in disease. Therefore, it has been classified as a Variant of Uncertain Significance. Algorithms developed to predict the effect of missense changes on protein structure and function are either unavailable or do not agree on the potential impact of this missense change (SIFT: "Deleterious"; PolyPhen-2: "Benign"; Align-GVGD: "Class C0").

NM_002109.6(HARS1):c.1186A>G (p.Arg396Gly)

Gene: HARS1 (histidyl-tRNA synthetase 1; minus strand). Cytogenetic location: 5q31.3.
Variant type: single nucleotide variant.
Coding change: c.1186A>G on transcript NM_002109.6 (MANE Select); coding-DNA position 1186, A replaced by G.
Protein change: p.Arg396Gly; replaces arginine 396 with glycine.
Molecular consequence: missense variant.
Genome position (GRCh38, 1-based): chr5:140,676,662, T>C on the plus strand (A>G on the coding strand, the complement: HARS1 is on the minus strand). VCF-style: chr5-140676662-T-C. GRCh37 (hg19) VCF-style: chr5-140056247-T-C.
Other names: c.1066A>G, p.Arg356Gly (NM_001258040.3); c.1126A>G, p.Arg376Gly (NM_001258041.3); c.1006A>G, p.Arg336Gly (NM_001258042.3); c.964A>G, p.Arg322Gly (NM_001289092.2); c.844A>G, p.Arg282Gly (NM_001289093.2); c.1099A>G, p.Arg367Gly (NM_001289094.2); short protein forms R282G, R322G, R336G, R356G, R367G, R376G, R396G.
Identifiers: ClinVar variation 1680299 (VCV001680299.7), dbSNP rs2149822607, ClinGen allele CA361250419.
Genomic context (GRCh38, chr5:140,676,662, plus strand): 5'-TTAGGTGCCACCACCTGCTCAGACTATCTTCTACCTACCTCCTAGGACCTACCTCTAGTC[T>C]CTGTTCCACGATGGAGAAAATCCGCTCCACCCCAATGCTGAGCCCCACACATGGCACCTT-3'
Protein context (NP_002100.2, residues 386-406): VERIFSIVEQ[Arg396Gly]LEALEEKIRT